The following is an entry in ClinVar:

ClinVar aggregate classification (germline): Pathogenic (1 of 4 stars; one submission).

Conditions:
Methylmalonic aciduria, cblB type (MACB). Also called: METHYLMALONIC ACIDURIA, VITAMIN B12-RESPONSIVE, DUE TO DEFECT IN SYNTHESIS OF ADENOSYLCOBALAMIN, cblB TYPE; Methylmalonic acidemia cblB type; Vitamin B12-responsive methylmalonic acidemia type cblB. Identifiers: Orphanet 28, Orphanet 79311, MedGen C1855102, MONDO:0009614, OMIM 251110.

Allele frequency attached by ClinVar (database versions not stated): gnomAD exomes below 0.00001.

Submission:

Labcorp Genetics (formerly Invitae), Labcorp
Classification: Pathogenic for Methylmalonic aciduria, cblB type. Last evaluated: 2023-10-03. Review status: criteria provided, single submitter. Criteria: Invitae Variant Classification Sherloc (09022015). Collection method: clinical testing. Allele origin: germline.
Comment: This sequence change affects the initiator methionine of the MMAB mRNA. The next in-frame methionine is located at codon 202. This variant is not present in population databases (gnomAD no frequency). Disruption of the initiator codon has been observed in individual(s) with a positive newborn screening result for MMAB-related disease (Invitae). ClinVar contains an entry for this variant (Variation ID: 861176). This variant disrupts a region of the MMAB protein in which other variant(s) (p.Arg191Gln) have been determined to be pathogenic (PMID: 16410054, 23707710, 27591164). This suggests that this is a clinically significant region of the protein, and that variants that disrupt it are likely to be disease-causing. For these reasons, this variant has been classified as Pathogenic.

Literature cited by the submitters: PubMed 16410054; PubMed 23707710; PubMed 27591164.

NM_052845.4(MMAB):c.1A>C (p.Met1Leu)

Genes: MMAB (metabolism of cobalamin associated B; minus strand), MVK (mevalonate kinase; plus strand). Cytogenetic location: 12q24.11.
Variant type: single nucleotide variant.
Coding change: c.1A>C on transcript NM_052845.4 (MANE Select); coding-DNA position 1, A replaced by C.
Protein change: p.Met1Leu; changes the start codon (methionine 1).
Molecular consequence: missense variant, initiator codon variant. On other transcripts: non-coding transcript variant (1).
Genome position (GRCh38, 1-based): chr12:109,573,480, T>G on the plus strand (A>C on the coding strand, the complement: MMAB is on the minus strand). VCF-style: chr12-109573480-T-G. GRCh37 (hg19) VCF-style: chr12-110011285-T-G.
Other names: short protein forms M1L.
Identifiers: ClinVar variation 861176 (VCV000861176.10), dbSNP rs1884749143, ClinGen allele CA386641683.
Genomic context (GRCh38, chr12:109,573,480, plus strand): 5'-ACCCGCGCAGGCCAAGACGGCTCCCCAGGCCAAGACGGCTCCCCAGGCCGCACACAGCCA[T>G]GAGCCAGGCTGCTTGACGGGACCTGACCCCGCCAGGTTCCCGTCCAGTCCGCGGGGTGAC-3'
Protein context (NP_443077.1, residues 1-11): [Met1Leu]AVCGLGSRLG